The following continues an entry in ClinVar:

NM_000492.4(CFTR):c.1399C>T (p.Leu467Phe)

ClinVar aggregate classification (germline): Conflicting classifications of pathogenicity. Likely pathogenic (5); Uncertain significance (8); Likely benign (3).

Submissions 10 to 17 of 17:

Institute of Human Genetics, University of Leipzig Medical Center
Classification: Likely pathogenic for Bronchiectasis with or without elevated sweat chloride 1. Last evaluated: 2024-02-15. Review status: criteria provided, single submitter. Criteria: ACMG Guidelines, 2015. Collection method: clinical testing. Allele origin: unknown. Inheritance: Autosomal dominant inheritance. Affected: yes.

Genome-Nilou Lab
Classification: Likely benign for Cystic fibrosis. Last evaluated: 2021-07-22. Review status: criteria provided, single submitter. Criteria: ACMG Guidelines, 2015. Collection method: clinical testing. Allele origin: germline. Affected: no.

Mayo Clinic Laboratories, Mayo Clinic
Classification: Uncertain significance. Last evaluated: 2020-06-10. Review status: criteria provided, single submitter. Criteria: ACMG Guidelines, 2015. Collection method: clinical testing. Allele origin: germline. Observed: 1 variant allele.

Baylor Genetics
Classification: Uncertain significance for Cystic fibrosis. Last evaluated: 2020-06-04. Review status: criteria provided, single submitter. Criteria: ACMG Guidelines, 2015. Collection method: clinical testing. Allele origin: unknown. Affected: yes.
Comment: This variant was determined to be of uncertain significance according to ACMG Guidelines, 2015 [PMID:25741868].

Johns Hopkins Genomics, Johns Hopkins University
Classification: Likely benign for Cystic fibrosis. Last evaluated: 2019-08-22. Review status: criteria provided, single submitter. Criteria: ACMG Guidelines, 2015. Collection method: clinical testing. Allele origin: germline.

Mendelics
Classification: Likely pathogenic for Cystic fibrosis. Last evaluated: 2018-11-05. Review status: criteria provided, single submitter. Criteria: Mendelics Assertion Criteria 2017. Collection method: clinical testing. Allele origin: unknown. Affected: yes.

Ambry Genetics
Classification: Likely benign for Cystic fibrosis. Last evaluated: 2017-12-22. Review status: criteria provided, single submitter. Criteria: Ambry Variant Classification Scheme 2023. Collection method: clinical testing. Allele origin: germline.

ClinVar Staff, National Center for Biotechnology Information (NCBI)
No classification provided. Condition: CFTR-related disorders. Review status: no classification provided. Collection method: literature only. Allele origin: germline. Affected: yes. Not counted in ClinVar's aggregate classification.

Literature cited by the submitters: PubMed 18716917 (cited by 3 submitters); PubMed 10923036 (cited by 4 submitters); PubMed 19202204 (cited by 3 submitters); PubMed 16436643 (cited by 5 submitters); PubMed 22020151 (cited by Women's Health and Genetics/Laboratory Corporation of America, LabCorp and Quest Diagnostics Nichols Institute San Juan Capistrano); PubMed 24106596 (cited by 4 submitters); PubMed 22892530 (cited by 3 submitters); PubMed 21783433 (cited by 3 submitters); PubMed 20538955 (cited by Women's Health and Genetics/Laboratory Corporation of America, LabCorp and Quest Diagnostics Nichols Institute San Juan Capistrano); PubMed 26437683 (cited by Women's Health and Genetics/Laboratory Corporation of America, LabCorp and Quest Diagnostics Nichols Institute San Juan Capistrano); PubMed 28603918 (cited by Women's Health and Genetics/Laboratory Corporation of America, LabCorp); PubMed 26436105 (cited by 3 submitters); PubMed 27917292 (cited by 4 submitters); PubMed 29271547 (cited by 3 submitters); PubMed 32150665 (cited by Women's Health and Genetics/Laboratory Corporation of America, LabCorp); PubMed 32026723 (cited by Women's Health and Genetics/Laboratory Corporation of America, LabCorp); PubMed 32292813 (cited by Women's Health and Genetics/Laboratory Corporation of America, LabCorp); PubMed 36286063 (cited by Women's Health and Genetics/Laboratory Corporation of America, LabCorp); PubMed 35328596 (cited by Women's Health and Genetics/Laboratory Corporation of America, LabCorp and Quest Diagnostics Nichols Institute San Juan Capistrano); PubMed 36142302 (cited by Women's Health and Genetics/Laboratory Corporation of America, LabCorp and Quest Diagnostics Nichols Institute San Juan Capistrano); PubMed 38388235 (cited by Women's Health and Genetics/Laboratory Corporation of America, LabCorp and Labcorp Genetics (formerly Invitae), Labcorp); PubMed 35365085 (cited by Women's Health and Genetics/Laboratory Corporation of America, LabCorp and Quest Diagnostics Nichols Institute San Juan Capistrano); PubMed 29504914 (cited by Labcorp Genetics (formerly Invitae), Labcorp); PubMed 20510657 (cited by Labcorp Genetics (formerly Invitae), Labcorp); PubMed 23891399 (cited by Labcorp Genetics (formerly Invitae), Labcorp); PubMed 23974870 (cited by Labcorp Genetics (formerly Invitae), Labcorp); PubMed 26708955 (cited by Labcorp Genetics (formerly Invitae), Labcorp); PubMed 34782259 (cited by Quest Diagnostics Nichols Institute San Juan Capistrano); PubMed 34860163 (cited by Quest Diagnostics Nichols Institute San Juan Capistrano); PubMed 22896710 (cited by Quest Diagnostics Nichols Institute San Juan Capistrano and Ambry Genetics).